The following is an entry in ClinVar:

NM_024753.5(TTC21B):c.2750A>G (p.Asp917Gly)

Gene: TTC21B (tetratricopeptide repeat domain 21B; minus strand). Cytogenetic location: 2q24.3.
Variant type: single nucleotide variant.
Coding change: c.2750A>G on transcript NM_024753.5 (MANE Select); coding-DNA position 2750, A replaced by G.
Protein change: p.Asp917Gly; replaces aspartic acid 917 with glycine.
Molecular consequence: missense variant.
Genome position (GRCh38, 1-based): chr2:165,901,729, T>C on the plus strand (A>G on the coding strand, the complement: TTC21B is on the minus strand). VCF-style: chr2-165901729-T-C. GRCh37 (hg19) VCF-style: chr2-166758239-T-C.
Other names: short protein forms D917G.
Identifiers: ClinVar variation 4994468 (VCV004994468.1).

ClinVar aggregate classification (germline): Uncertain significance (1 of 4 stars; one submission).

Conditions:
TTC21B-related disorder. Also called: TTC21B-related condition; TTC21B-related disorders.

gnomAD v4.1: 2 of 1,613,816 alleles (0.00012%); highest among the groups gnomAD compares: Non-Finnish European, 0.00017%; no homozygotes.

Submission:

PreventionGenetics, part of Exact Sciences
Classification: Uncertain significance for TTC21B-related condition. Last evaluated: 2026-07-13. Review status: criteria provided, single submitter. Criteria: ACMG Guidelines, 2015. Collection method: clinical testing. Allele origin: germline.
Comment: The TTC21B c.2750A>G variant is predicted to result in the amino acid substitution p.Asp917Gly. To our knowledge, this variant has not been reported in the literature or in a large population database (gnomAD), indicating this variant is rare. At this time, the clinical significance of this variant is uncertain due to the absence of conclusive functional and genetic evidence.